The following is an entry in ClinVar:

ClinVar aggregate classification (germline): Uncertain significance (1 of 4 stars; one submission).

Allele frequency attached by ClinVar (database versions not stated): TOPMed 0.00002; gnomAD 0.00003; ExAC 0.00004; ESP Exome Variant Server 0.00008.
gnomAD v4.1: 38 of 1,610,840 alleles (0.0024%); highest among the groups gnomAD compares: Middle Eastern, 0.016%; no homozygotes.

Submission:

Labcorp Genetics (formerly Invitae), Labcorp
Classification: Uncertain significance. Last evaluated: 2022-03-14. Review status: criteria provided, single submitter. Criteria: Invitae Variant Classification Sherloc (09022015). Collection method: clinical testing. Allele origin: germline.
Comment: This sequence change replaces threonine, which is neutral and polar, with methionine, which is neutral and non-polar, at codon 432 of the DGAT1 protein (p.Thr432Met). The frequency data for this variant in the population databases is considered unreliable, as metrics indicate poor data quality at this position in the gnomAD database. This variant has not been reported in the literature in individuals affected with DGAT1-related conditions. Algorithms developed to predict the effect of missense changes on protein structure and function (SIFT, PolyPhen-2, Align-GVGD) all suggest that this variant is likely to be tolerated. In summary, the available evidence is currently insufficient to determine the role of this variant in disease. Therefore, it has been classified as a Variant of Uncertain Significance.

NM_012079.6(DGAT1):c.1295C>T (p.Thr432Met)

Gene: DGAT1 (diacylglycerol O-acyltransferase 1; minus strand). Cytogenetic location: 8q24.3.
Variant type: single nucleotide variant.
Coding change: c.1295C>T on transcript NM_012079.6 (MANE Select); coding-DNA position 1295, C replaced by T.
Protein change: p.Thr432Met; replaces threonine 432 with methionine.
Molecular consequence: missense variant.
Genome position (GRCh38, 1-based): chr8:144,316,869, G>A on the plus strand (C>T on the coding strand, the complement: DGAT1 is on the minus strand). VCF-style: chr8-144316869-G-A. GRCh37 (hg19) VCF-style: chr8-145540532-G-A.
Other names: short protein forms T432M.
Identifiers: ClinVar variation 2066108 (VCV002066108.1), dbSNP rs369376240, ClinGen allele CA4936579.